The following is an entry in ClinVar:

NM_022437.3(ABCG8):c.1387G>A (p.Val463Ile)

Gene: ABCG8 (ATP binding cassette subfamily G member 8; plus strand). Cytogenetic location: 2p21.
Variant type: single nucleotide variant.
Coding change: c.1387G>A on transcript NM_022437.3 (MANE Select); coding-DNA position 1387, G replaced by A.
Protein change: p.Val463Ile; replaces valine 463 with isoleucine.
Molecular consequence: missense variant.
Genome position (GRCh38, 1-based): chr2:43,873,962, G>A. VCF-style: chr2-43873962-G-A. GRCh37 (hg19) VCF-style: chr2-44101101-G-A.
Other names: c.1387G>A (NM_022437.2); c.1384G>A, p.Val462Ile (NM_001357321.2); short protein forms V463I, V462I.
Identifiers: ClinVar variation 199165 (VCV000199165.6), dbSNP rs144061971, ClinGen allele CA248217.

ClinVar aggregate classification (germline): Uncertain significance. Review status: criteria provided, multiple submitters, no conflicts (2 of 4 stars). 2 submissions from 2 submitters: Uncertain significance (2). Last evaluated 2026-03-11.

Conditions:
Cardiovascular phenotype. Identifiers: MedGen CN230736.

Allele frequency attached by ClinVar (database versions not stated): TOPMed 0.00002; gnomAD 0.00002; ESP Exome Variant Server 0.00008; ExAC 0.00001; gnomAD exomes 0.00001.
gnomAD v4.1: 14 of 1,613,876 alleles (0.00087%); highest among the groups gnomAD compares: Middle Eastern, 0.016%; no homozygotes.

Submissions (2):

Ambry Genetics
Classification: Uncertain significance for Cardiovascular phenotype. Last evaluated: 2026-03-11. Review status: criteria provided, single submitter. Criteria: Ambry Variant Classification Scheme 2023. Collection method: clinical testing. Allele origin: germline.
Comment: The p.V463I variant (also known as c.1387G>A), located in coding exon 9 of the ABCG8 gene, results from a G to A substitution at nucleotide position 1387. The valine at codon 463 is replaced by isoleucine, an amino acid with highly similar properties. This amino acid position is conserved. In addition, this alteration is predicted to be tolerated by in silico analysis. Based on the available evidence, the clinical significance of this variant remains unclear.

Eurofins Ntd Llc (ga)
Classification: Uncertain significance. Last evaluated: 2014-10-17. Review status: criteria provided, single submitter. Criteria: EGL Classification Definitions 2015. Collection method: clinical testing. Allele origin: germline. Observed: 1 variant allele, 1 heterozygote.